The following is an entry in ClinVar:

ClinVar aggregate classification (germline): Likely pathogenic. Review status: criteria provided, multiple submitters, no conflicts (2 of 4 stars). 6 submissions from 6 submitters: Likely pathogenic (4). 2 of the submissions do not count toward it. Last evaluated 2026-01-08.

Conditions:
Brachydactyly, type B1Robinow syndrome, autosomal recessive.
Autosomal recessive Robinow syndrome (RRS1). Also called: COSTOVERTEBRAL SEGMENTATION DEFECT WITH MESOMELIA; COVESDEM SYNDROME; ROBINOW SYNDROME, AUTOSOMAL RECESSIVE 1; ROR2-Related Robinow Syndrome. Identifiers: Orphanet 1507, Orphanet 97360, MedGen C5399974, MONDO:0009999, OMIM 268310.
Brachydactyly type B1 (BDB1). Identifiers: Orphanet 572385, Orphanet 93383, MedGen C1862112, MONDO:0007220, OMIM 113000.

Allele frequency attached by ClinVar (database versions not stated): gnomAD 0.00001; gnomAD exomes 0.00001; 1000 Genomes Project 0.00020; TOPMed below 0.00001; ExAC 0.00001; 1000 Genomes Project 30x 0.00016.
gnomAD v4.1: 14 of 1,614,174 alleles (0.00087%); highest among the groups gnomAD compares: South Asian, 0.0011%; no homozygotes.

Submissions (6):

GeneDx
Classification: Likely pathogenic. Last evaluated: 2026-01-08. Review status: criteria provided, single submitter. Criteria: GeneDx Variant Classification Process June 2021. Collection method: clinical testing. Allele origin: germline.
Comment: In silico analysis supports that this missense variant has a deleterious effect on protein structure/function; Not observed at significant frequency in large population cohorts (gnomAD); This variant is associated with the following publications: (PMID: 29620724, 27124789, 33237614, 33048444, 32949114, 34645488, 35344616, 26112015)

3billion
Classification: Likely pathogenic for Autosomal recessive Robinow syndrome. Last evaluated: 2025-09-17. Review status: criteria provided, single submitter. Criteria: ACMG Guidelines, 2015. Collection method: clinical testing. Allele origin: germline. Affected: yes.
Comment: The variant is observed at an extremely low frequency in the gnomAD v4.1.0 dataset (total allele frequency: <0.001%). Predicted Consequence/Location: Missense variant In silico tool predictions suggest damaging effect of the variant on gene or gene product [REVEL: 0.93 (>=0.6, sensitivity 0.68 and specificity 0.92)]. The same nucleotide change resulting in the same amino acid change has been previously reported as pathogenic/likely pathogenic with strong evidence (ClinVar ID: VCV000159813 /PMID: 27124789). A different missense change at the same codon (p.Arg657Cys) has been reported to be associated with ROR2-related disorder (ClinVar ID: VCV001187123). Therefore, this variant is classified as Likely pathogenic according to the recommendation of ACMG/AMP guideline.

Fulgent Genetics
Classification: Likely pathogenic for Brachydactyly type B1; Autosomal recessive Robinow syndrome. Last evaluated: 2024-01-29. Review status: criteria provided, single submitter. Criteria: ACMG Guidelines, 2015. Collection method: clinical testing. Allele origin: germline.

Genomic Medicine Center of Excellence, King Faisal Specialist Hospital and Research Centre
Classification: Likely pathogenic. Review status: criteria provided, single submitter. Criteria: ACMG Guidelines, 2015. Collection method: research. Allele origin: germline. Affected: yes.

Lupski Lab, Baylor-Hopkins CMG, Baylor College of Medicine
Classification: Likely pathogenic for Autosomal recessive Robinow syndrome. Review status: no assertion criteria provided. Collection method: research. Allele origin: unknown. Affected: yes and no. Observed: 3 variant alleles. Not counted in ClinVar's aggregate classification.

Genetic Services Laboratory, University of Chicago
Classification: Uncertain significance for Brachydactyly, type B1Robinow syndrome, autosomal recessive. Last evaluated: 2013-08-28. Review status: flagged submission. Criteria: ACMG Guidelines, 2007. Collection method: clinical testing. Allele origin: germline. Inheritance: Autosomal recessive inheritance. Not counted in ClinVar's aggregate classification.
ClinVar note: Reason: Older and outlier claim with insufficient supporting evidence

Literature cited by the submitters: PubMed 27124789 (cited by 3billion).

NM_004560.4(ROR2):c.1970G>A (p.Arg657His)

Gene: ROR2 (ROR family WNT receptor 2; minus strand). Cytogenetic location: 9q22.31.
Variant type: single nucleotide variant.
Coding change: c.1970G>A on transcript NM_004560.4 (MANE Select); coding-DNA position 1970, G replaced by A.
Protein change: p.Arg657His; replaces arginine 657 with histidine.
Molecular consequence: missense variant.
Genome position (GRCh38, 1-based): chr9:91,724,524, C>T on the plus strand (G>A on the coding strand, the complement: ROR2 is on the minus strand). VCF-style: chr9-91724524-C-T. GRCh37 (hg19) VCF-style: chr9-94486806-C-T.
Other names: short protein forms R657H.
Identifiers: ClinVar variation 159813 (VCV000159813.12), dbSNP rs529829552, ClinGen allele CA173318.